The following is an entry in ClinVar:

ClinVar aggregate classification (germline): Pathogenic (1 of 4 stars; one submission).

Submission:

GeneDx
Classification: Pathogenic. Last evaluated: 2018-12-11. Review status: criteria provided, single submitter. Criteria: GeneDx Variant Classification (06012015). Collection method: clinical testing. Allele origin: germline. Affected: yes.
Comment: The R1402X variant in the KMT2B gene has not been reported previously as a pathogenic variant nor as a benign variant, to our knowledge. This variant is predicted to cause loss of normal protein function either through protein truncation or nonsense-mediated mRNA decay. The R1402X variant is not observed in large population cohorts (Lek et al., 2016; 1000 Genomes Consortium et al., 2015; Exome Variant Server). We interpret R1402X as a pathogenic variant.

NM_014727.3(KMT2B):c.4204C>T (p.Arg1402Ter)

Gene: KMT2B (lysine methyltransferase 2B; plus strand). Cytogenetic location: 19q13.12.
Variant type: single nucleotide variant.
Coding change: c.4204C>T on transcript NM_014727.3 (MANE Select); coding-DNA position 4204, C replaced by T.
Protein change: p.Arg1402Ter; replaces arginine 1402 with a stop codon.
Molecular consequence: nonsense.
Genome position (GRCh38, 1-based): chr19:35,727,524, C>T. VCF-style: chr19-35727524-C-T. GRCh37 (hg19) VCF-style: chr19-36218425-C-T.
Other names: short protein forms R1402*.
Identifiers: ClinVar variation 450691 (VCV000450691.2), dbSNP rs1555730957, ClinGen allele CA405413402.